The following is an entry in ClinVar:

ClinVar aggregate classification (germline): Uncertain significance. Review status: criteria provided, multiple submitters, no conflicts (2 of 4 stars). 2 submissions from 2 submitters: Uncertain significance (2). Last evaluated 2025-10-01.

Allele frequency attached by ClinVar (database versions not stated): gnomAD exomes 0.00001 and 0.00003; gnomAD 0.00005; TOPMed 0.00005; ExAC 0.00006; 1000 Genomes Project 30x 0.00016; 1000 Genomes Project 0.00020.
gnomAD v4.1: 17 of 1,614,220 alleles (0.0011%); highest among the groups gnomAD compares: African/African-American, 0.017%; no homozygotes.

Submissions (2):

Labcorp Genetics (formerly Invitae), Labcorp
Classification: Uncertain significance. Last evaluated: 2025-10-01. Review status: criteria provided, single submitter. Criteria: Invitae Variant Classification Sherloc (09022015). Collection method: clinical testing. Allele origin: germline.
Comment: This sequence change replaces valine, which is neutral and non-polar, with isoleucine, which is neutral and non-polar, at codon 145 of the C3 protein (p.Val145Ile). This variant also falls at the last nucleotide of exon 3, which is part of the consensus splice site for this exon. This variant is present in population databases (rs199970572, gnomAD 0.02%). This variant has not been reported in the literature in individuals affected with C3-related conditions. ClinVar contains an entry for this variant (Variation ID: 1465138). An algorithm developed to predict the effect of missense changes on protein structure and function (PolyPhen-2) suggests that this variant is likely to be disruptive. Variants that disrupt the consensus splice site are a relatively common cause of aberrant splicing (PMID: 17576681, 9536098). In summary, the available evidence is currently insufficient to determine the role of this variant in disease. Therefore, it has been classified as a Variant of Uncertain Significance.

Blueprint Genetics
Classification: Uncertain significance. Last evaluated: 2019-10-24. Review status: criteria provided, single submitter. Criteria: ACMG Guidelines, 2015. Collection method: clinical testing. Allele origin: germline.

Literature cited by the submitters: PubMed 17576681 (cited by Labcorp Genetics (formerly Invitae), Labcorp); PubMed 9536098 (cited by Labcorp Genetics (formerly Invitae), Labcorp).

NM_000064.4(C3):c.433G>A (p.Val145Ile)

Gene: C3 (complement C3; minus strand). Cytogenetic location: 19p13.3.
Variant type: single nucleotide variant.
Coding change: c.433G>A on transcript NM_000064.4 (MANE Select); coding-DNA position 433, G replaced by A.
Protein change: p.Val145Ile; replaces valine 145 with isoleucine.
Molecular consequence: missense variant.
Genome position (GRCh38, 1-based): chr19:6,718,247, C>T on the plus strand (G>A on the coding strand, the complement: C3 is on the minus strand). VCF-style: chr19-6718247-C-T. GRCh37 (hg19) VCF-style: chr19-6718258-C-T.
Other names: short protein forms V145I.
Identifiers: ClinVar variation 1465138 (VCV001465138.9), dbSNP rs199970572, ClinGen allele CA9129834.